The following is an entry in ClinVar:

ClinVar aggregate classification (germline): Uncertain significance (1 of 4 stars; one submission).

Allele frequency attached by ClinVar (database versions not stated): ExAC 0.00001.
gnomAD v4.1: 8 of 1,613,542 alleles (0.0005%); highest among the groups gnomAD compares: South Asian, 0.0022%; no homozygotes.

Submission:

Labcorp Genetics (formerly Invitae), Labcorp
Classification: Uncertain significance. Last evaluated: 2025-10-18. Review status: criteria provided, single submitter. Criteria: Invitae Variant Classification Sherloc (09022015). Collection method: clinical testing. Allele origin: germline.
Comment: This sequence change replaces serine, which is neutral and polar, with phenylalanine, which is neutral and non-polar, at codon 736 of the ADGRA3 protein (p.Ser736Phe). This variant is present in population databases (rs751180630, gnomAD 0.003%). This variant has not been reported in the literature in individuals affected with ADGRA3-related conditions. ClinVar contains an entry for this variant (Variation ID: 1388421). An algorithm developed to predict the effect of missense changes on protein structure and function (PolyPhen-2) suggests that this variant is likely to be disruptive. In summary, the available evidence is currently insufficient to determine the role of this variant in disease. Therefore, it has been classified as a Variant of Uncertain Significance.

NM_145290.4(ADGRA3):c.2207C>T (p.Ser736Phe)

Gene: ADGRA3 (adhesion G protein-coupled receptor A3; minus strand). Cytogenetic location: 4p15.2.
Variant type: single nucleotide variant.
Coding change: c.2207C>T on transcript NM_145290.4 (MANE Select); coding-DNA position 2207, C replaced by T.
Protein change: p.Ser736Phe; replaces serine 736 with phenylalanine.
Molecular consequence: missense variant.
Genome position (GRCh38, 1-based): chr4:22,413,207, G>A on the plus strand (C>T on the coding strand, the complement: ADGRA3 is on the minus strand). VCF-style: chr4-22413207-G-A. GRCh37 (hg19) VCF-style: chr4-22414830-G-A.
Other names: short protein forms S736F.
Identifiers: ClinVar variation 1388421 (VCV001388421.8), dbSNP rs751180630, ClinGen allele CA2873716.